The following is an entry in ClinVar:

NM_016507.4(CDK12):c.3976A>G (p.Met1326Val)

Gene: CDK12 (cyclin dependent kinase 12; plus strand). Cytogenetic location: 17q12.
Variant type: single nucleotide variant.
Coding change: c.3976A>G on transcript NM_016507.4 (MANE Select); coding-DNA position 3976, A replaced by G.
Protein change: p.Met1326Val; replaces methionine 1326 with valine.
Molecular consequence: missense variant.
Genome position (GRCh38, 1-based): chr17:39,530,819, A>G. VCF-style: chr17-39530819-A-G. GRCh37 (hg19) VCF-style: chr17-37687072-A-G.
Other names: c.3949A>G, p.Met1317Val (NM_015083.4); short protein forms M1317V, M1326V.
Identifiers: ClinVar variation 3141480 (VCV003141480.2), dbSNP rs757214894, ClinGen allele CA8531639.
Genomic context (GRCh38, chr17:39,530,819, plus strand): 5'-TCCCAGCCTGAAGCAGAGCCTCCTGGCCACCTGCCACATGAGCACCAGGCCTTGAGACCA[A>G]TGGAGTACTCCACCCGACCCCGTCCAAACAGGACTTATGGAAACACTGATGGGCCTGAAA-3'
Protein context (NP_057591.2, residues 1316-1336): LPHEHQALRP[Met1326Val]EYSTRPRPNR

ClinVar aggregate classification (germline): Uncertain significance (1 of 4 stars; one submission).

Allele frequency attached by ClinVar (database versions not stated): TOPMed 0.00002; ExAC 0.00003; gnomAD 0.00003.

Submission:

Ambry Genetics
Classification: Uncertain significance. Last evaluated: 2024-11-25. Review status: criteria provided, single submitter. Criteria: Ambry Variant Classification Scheme 2023. Collection method: clinical testing. Allele origin: germline.
Comment: The p.M1326V variant (also known as c.3976A>G), located in coding exon 14 of the CDK12 gene, results from an A to G substitution at nucleotide position 3976. The methionine at codon 1326 is replaced by valine, an amino acid with highly similar properties. This amino acid position is conserved. In addition, this alteration is predicted to be tolerated by in silico analysis. Based on the available evidence, the clinical significance of this variant remains unclear.